The following is an entry in ClinVar:

NM_004629.2(FANCG):c.1127A>G (p.Asp376Gly)

Gene: FANCG (FA complementation group G; minus strand). Cytogenetic location: 9p13.3.
Variant type: single nucleotide variant.
Coding change: c.1127A>G on transcript NM_004629.2 (MANE Select); coding-DNA position 1127, A replaced by G.
Protein change: p.Asp376Gly; replaces aspartic acid 376 with glycine.
Molecular consequence: missense variant.
Genome position (GRCh38, 1-based): chr9:35,075,978, T>C on the plus strand (A>G on the coding strand, the complement: FANCG is on the minus strand). VCF-style: chr9-35075978-T-C. GRCh37 (hg19) VCF-style: chr9-35075975-T-C.
Other names: short protein forms D376G.
Identifiers: ClinVar variation 3848373 (VCV003848373.1).
Genomic context (GRCh38, chr9:35,075,978, plus strand): 5'-CAACCCGTCTACCCCATTGCAGAGAAGCTTGAAGACACACCCACCCTTGGCTCCGAGCTA[T>C]CCAGCAACAGGGCCAGCAGGTCCAAGTAATGCTCTGCAGCGTCTCCTGCCCTGAGGAGTA-3'
Protein context (NP_004620.1, residues 366-386): HYLDLLALLL[Asp376Gly]SSEPRFSPPP

ClinVar aggregate classification (germline): Uncertain significance (1 of 4 stars; one submission).

Conditions:
Inborn genetic diseases. Identifiers: MedGen C0950123, MeSH D030342.

Submission:

Ambry Genetics
Classification: Uncertain significance for Inborn genetic diseases. Last evaluated: 2024-12-16. Review status: criteria provided, single submitter. Criteria: Ambry Variant Classification Scheme 2023. Collection method: clinical testing. Allele origin: germline.
Comment: The p.D376G variant (also known as c.1127A>G), located in coding exon 9 of the FANCG gene, results from an A to G substitution at nucleotide position 1127. The aspartic acid at codon 376 is replaced by glycine, an amino acid with similar properties. This amino acid position is conserved. In addition, this alteration is predicted to be tolerated by in silico analysis. Based on the available evidence, the clinical significance of this variant remains unclear.